The following is an entry in ClinVar:

ClinVar aggregate classification (germline): Likely benign. Review status: criteria provided, multiple submitters, no conflicts (2 of 4 stars). 3 submissions from 3 submitters: Likely benign (3). Last evaluated 2025-09-15.

Conditions:
Brugada syndrome. Also called: Sudden Unexplained Death Syndrome; Sudden Unexplained Nocturnal Death Syndrome (SUNDS); Sudden unexplained nocturnal death syndrome; Sudden unexpected nocturnal death syndrome. Identifiers: Orphanet 130, MedGen C1142166, MONDO:0015263.

gnomAD v4.1: 6 of 1,614,188 alleles (0.00037%); highest among the groups gnomAD compares: Middle Eastern, 0.033%; no homozygotes.

Submissions (3):

Mayo Clinic Laboratories, Mayo Clinic
Classification: Likely benign. Last evaluated: 2025-09-15. Review status: criteria provided, single submitter. Criteria: ACMG Guidelines, 2015. Collection method: clinical testing. Allele origin: germline. Observed: 1 variant allele.
Comment: BP4, BP7

Labcorp Genetics (formerly Invitae), Labcorp
Classification: Likely benign for Brugada syndrome. Last evaluated: 2024-02-24. Review status: criteria provided, single submitter. Criteria: Invitae Variant Classification Sherloc (09022015). Collection method: clinical testing. Allele origin: germline.

Blueprint Genetics
Classification: Likely benign. Last evaluated: 2023-08-07. Review status: criteria provided, single submitter. Criteria: ACMG Guidelines, 2015. Collection method: clinical testing. Allele origin: germline.

NM_006514.4(SCN10A):c.5760C>G (p.Ser1920=)

Gene: SCN10A (sodium voltage-gated channel alpha subunit 10; minus strand). Cytogenetic location: 3p22.2.
Variant type: single nucleotide variant.
Coding change: c.5760C>G on transcript NM_006514.4 (MANE Select); coding-DNA position 5760, C replaced by G.
Protein change: p.Ser1920=; no amino-acid change (serine 1920 retained).
Molecular consequence: synonymous variant.
Genome position (GRCh38, 1-based): chr3:38,697,460, G>C on the plus strand (C>G on the coding strand, the complement: SCN10A is on the minus strand). VCF-style: chr3-38697460-G-C. GRCh37 (hg19) VCF-style: chr3-38738951-G-C.
Other names: p.Ser1920=; c.5760C>G (NM_006514.3); c.5757C>G, p.Ser1919= (NM_001293306.2); c.5466C>G, p.Ser1822= (NM_001293307.2).
Identifiers: ClinVar variation 1026246 (VCV001026246.7), dbSNP rs747009227, ClinGen allele CA2319604.